The following is an entry in ClinVar:

NM_182972.3(IRF2BP2):c.1513T>G (p.Cys505Gly)

Gene: IRF2BP2 (interferon regulatory factor 2 binding protein 2; minus strand). Cytogenetic location: 1q42.3.
Variant type: single nucleotide variant.
Coding change: c.1513T>G on transcript NM_182972.3 (MANE Select); coding-DNA position 1513, T replaced by G.
Protein change: p.Cys505Gly; replaces cysteine 505 with glycine.
Molecular consequence: missense variant.
Genome position (GRCh38, 1-based): chr1:234,607,388, A>C on the plus strand (T>G on the coding strand, the complement: IRF2BP2 is on the minus strand). VCF-style: chr1-234607388-A-C. GRCh37 (hg19) VCF-style: chr1-234743134-A-C.
Other names: c.1465T>G, p.Cys489Gly (NM_001077397.1); short protein forms C489G, C505G.
Identifiers: ClinVar variation 2415722 (VCV002415722.6), dbSNP rs1307590239, ClinGen allele CA345305342.
Genomic context (GRCh38, chr1:234,607,388, plus strand): 5'-GGACGGACGGGCACTGCACAAAATGGGTGTCCTCCAGCCGCTCGTGGCAGAGGGTGCAGC[A>C]CAGCGGGGCACTGGTTGCCAGAGAGGAGTCCGGGAGGCTGGCAGGGTGCACTGGCTCCAG-3'
Protein context (NP_892017.2, residues 495-515): DSSLATSAPL[Cys505Gly]CTLCHERLED

ClinVar aggregate classification (germline): Uncertain significance (1 of 4 stars; one submission).

Allele frequency attached by ClinVar (database versions not stated): gnomAD 0.00001; gnomAD exomes 0.00001.
gnomAD v4.1: 20 of 1,613,856 alleles (0.0012%); highest among the groups gnomAD compares: Non-Finnish European, 0.0015%; no homozygotes.

Submission:

Labcorp Genetics (formerly Invitae), Labcorp
Classification: Uncertain significance. Last evaluated: 2025-12-15. Review status: criteria provided, single submitter. Criteria: Invitae Variant Classification Sherloc (09022015). Collection method: clinical testing. Allele origin: germline.
Comment: This sequence change replaces cysteine, which is neutral and slightly polar, with glycine, which is neutral and non-polar, at codon 505 of the IRF2BP2 protein (p.Cys505Gly). This variant is present in population databases (no rsID available, gnomAD 0.004%). This variant has not been reported in the literature in individuals affected with IRF2BP2-related conditions. ClinVar contains an entry for this variant (Variation ID: 2415722). An algorithm developed to predict the effect of missense changes on protein structure and function (PolyPhen-2) suggests that this variant is likely to be disruptive. In summary, the available evidence is currently insufficient to determine the role of this variant in disease. Therefore, it has been classified as a Variant of Uncertain Significance.